The following is an entry in ClinVar:

NM_006269.2(RP1):c.2991T>C (p.Asn997=)

Gene: RP1 (RP1 axonemal microtubule associated; plus strand). Cytogenetic location: 8q12.1.
Variant type: single nucleotide variant.
Coding change: c.2991T>C on transcript NM_006269.2 (MANE Select); coding-DNA position 2991, T replaced by C.
Protein change: p.Asn997=; no amino-acid change (asparagine 997 retained).
Molecular consequence: synonymous variant.
Genome position (GRCh38, 1-based): chr8:54,626,873, T>C. VCF-style: chr8-54626873-T-C. GRCh37 (hg19) VCF-style: chr8-55539433-T-C.
Identifiers: ClinVar variation 363288 (VCV000363288.26), dbSNP rs112667487, ClinGen allele CA4751621.

ClinVar aggregate classification (germline): Benign. Review status: criteria provided, multiple submitters, no conflicts (2 of 4 stars). 6 submissions from 6 submitters: Benign (4). 2 of the submissions do not count toward it. Last evaluated 2026-01-21.

Conditions:
Retinitis pigmentosa 1 (RP1). Identifiers: Orphanet 791, MedGen C0220701, MONDO:0008377, OMIM 180100.
Retinitis pigmentosa (RP). Identifiers: Orphanet 791, MedGen C0035334, MeSH D012174, MONDO:0019200, OMIM 268000. Inheritance: Autosomal dominant, autosomal recessive and X linked inheritance.

Allele frequency attached by ClinVar (database versions not stated): gnomAD exomes 0.00072 and 0.00191; ExAC 0.00245; 1000 Genomes Project 30x 0.00718; 1000 Genomes Project 0.00759; gnomAD 0.00770 and 0.00829; TOPMed 0.00861; ESP Exome Variant Server 0.00953.
gnomAD v4.1: 2,289 of 1,613,836 alleles (0.14%); highest among the groups gnomAD compares: African/African-American, 2.7%; 36 homozygotes.

Submissions (6):

Labcorp Genetics (formerly Invitae), Labcorp
Classification: Benign. Last evaluated: 2026-01-21. Review status: criteria provided, single submitter. Criteria: Invitae Variant Classification Sherloc (09022015). Collection method: clinical testing. Allele origin: germline.

ARUP Laboratories, Molecular Genetics and Genomics, ARUP Laboratories
Classification: Benign for Retinitis pigmentosa 1. Last evaluated: 2018-09-14. Review status: criteria provided, single submitter. Criteria: ARUP Molecular Germline Variant Investigation Process. Collection method: clinical testing. Allele origin: germline.

Illumina Laboratory Services, Illumina
Classification: Benign for Retinitis pigmentosa. Last evaluated: 2018-01-13. Review status: criteria provided, single submitter. Criteria: ICSL Variant Classification Criteria 13 December 2019. Collection method: clinical testing. Allele origin: germline.
Comment: This variant was observed in the ICSL laboratory as part of a predisposition screen in an ostensibly healthy population. It had not been previously curated by ICSL or reported in the Human Gene Mutation Database (HGMD: prior to June 1st, 2018), and was therefore a candidate for classification through an automated scoring system. Utilizing variant allele frequency, disease prevalence and penetrance estimates, and inheritance mode, an automated score was calculated to assess if this variant is too frequent to cause the disease. Based on the score and internal cut-off values, a variant classified as benign is not then subjected to further curation. The score for this variant resulted in a classification of benign for this disease.

Breakthrough Genomics
Classification: Benign. Review status: criteria provided, single submitter. Criteria: ACMG Guidelines, 2015. Collection method: not provided. Allele origin: germline. Inheritance: Autosomal dominant inheritance. Affected: yes.

Clinical Genetics DNA and cytogenetics Diagnostics Lab, Erasmus MC, Erasmus Medical Center
Classification: Likely benign. Review status: no assertion criteria provided. Collection method: clinical testing. Allele origin: germline. Affected: yes. Study: VKGL Data-share Consensus. Not counted in ClinVar's aggregate classification.

Clinical Genetics, Academic Medical Center
Classification: Benign. Review status: no assertion criteria provided. Collection method: clinical testing. Allele origin: germline. Affected: yes. Study: VKGL Data-share Consensus. Not counted in ClinVar's aggregate classification.